The following is an entry in ClinVar:

ClinVar aggregate classification (germline): Uncertain significance (1 of 4 stars; one submission).

Conditions:
Congenital contractural arachnodactyly (CCA). Also called: Beals-Hecht syndrome; BEALS SYNDROME; Arthrogryposis, distal, type 9. Identifiers: Orphanet 115, MedGen C0220668, MONDO:0007363, OMIM 121050.

Allele frequency attached by ClinVar (database versions not stated): gnomAD exomes below 0.00001.
gnomAD v4.1: 2 of 1,614,046 alleles (0.00012%); highest among the groups gnomAD compares: Non-Finnish European, 0.00017%; no homozygotes.

Submission:

Labcorp Genetics (formerly Invitae), Labcorp
Classification: Uncertain significance for Congenital contractural arachnodactyly. Last evaluated: 2022-12-06. Review status: criteria provided, single submitter. Criteria: Invitae Variant Classification Sherloc (09022015). Collection method: clinical testing. Allele origin: germline.
Comment: ClinVar contains an entry for this variant (Variation ID: 528418). In summary, the available evidence is currently insufficient to determine the role of this variant in disease. Therefore, it has been classified as a Variant of Uncertain Significance. Advanced modeling of protein sequence and biophysical properties (such as structural, functional, and spatial information, amino acid conservation, physicochemical variation, residue mobility, and thermodynamic stability) performed at Invitae indicates that this missense variant is not expected to disrupt FBN2 protein function. This variant has not been reported in the literature in individuals affected with FBN2-related conditions. This variant is not present in population databases (gnomAD no frequency). This sequence change replaces isoleucine, which is neutral and non-polar, with valine, which is neutral and non-polar, at codon 2875 of the FBN2 protein (p.Ile2875Val).

NM_001999.4(FBN2):c.8623A>G (p.Ile2875Val)

Gene: FBN2 (fibrillin 2; minus strand). Cytogenetic location: 5q23.3.
Variant type: single nucleotide variant.
Coding change: c.8623A>G on transcript NM_001999.4 (MANE Select); coding-DNA position 8623, A replaced by G.
Protein change: p.Ile2875Val; replaces isoleucine 2875 with valine.
Molecular consequence: missense variant.
Genome position (GRCh38, 1-based): chr5:128,259,571, T>C on the plus strand (A>G on the coding strand, the complement: FBN2 is on the minus strand). VCF-style: chr5-128259571-T-C. GRCh37 (hg19) VCF-style: chr5-127595263-T-C.
Other names: short protein forms I2875V.
Identifiers: ClinVar variation 528418 (VCV000528418.9), dbSNP rs1554115164, ClinGen allele CA360745085.